The following is an entry in ClinVar:

ClinVar aggregate classification (germline): Pathogenic (1 of 4 stars; one submission).

Conditions:
Neurofibromatosis, type 1 (NF1). Also called: VON RECKLINGHAUSEN DISEASE; Peripheral type neurofibromatosis; NEUROFIBROMATOSIS, TYPE I, SOMATIC; Neurofibromatosis, type I. Identifiers: Orphanet 636, MedGen C0027831, MONDO:0018975, OMIM 162200. Disease mechanism: loss of function.

Submission:

Labcorp Genetics (formerly Invitae), Labcorp
Classification: Pathogenic for Neurofibromatosis, type 1. Last evaluated: 2018-03-13. Review status: criteria provided, single submitter. Criteria: Invitae Variant Classification Sherloc (09022015). Collection method: clinical testing. Allele origin: germline.
Comment: This sequence change is an Alu-mediated insertion in exon 46 of the NF1 mRNA (c.6967_6968insAlu) causing a frameshift at codon 2323 (p.Thr2323fs), The exact size and sequence of the insertion cannot be determined by the current assay. However, the insertion is expected to result in an absent or disrupted protein product. For these reasons, this variant has been classified as Pathogenic. Retrotransposon insertions including LINE1 (L1), Alu, and SVA (SINE-VNTR-Alu) have been reported to be disease-causing through disruption of either a coding region or splice site (PMID: 19763152, 20307669, 22406018). Although this variant has not been reported in the literature, loss-of-function variants in NF1 are known to be pathogenic (PMID: 10712197, 23913538) and other Alu-mediated insertions in NF1 have been reported in the literature (PMID: 1719426, 22125493 ).

Literature cited by the submitters: PubMed 19763152; PubMed 20307669; PubMed 22406018; PubMed 10712197; PubMed 23913538; PubMed 1719426; PubMed 22125493.

NM_001042492.3(NF1):c.7030_7031insAAAACCTGCATACTTTAGATAGTCTCCGTATATTCAATGACAAGGTAAGCAAACTTTGCCTTGAGGTTCCTAGATTACTCAAATTTAGTACNNNNNNNNNNNNNNNNNNAAAAAAAAAAAAAAAAA (p.His2343_Thr2344insLysAsnLeuHisThrLeuAspSerLeuArgIlePheAsnAspLysValSerLysLeuCysLeuGluValProArgLeuLeuLysPheSerThrXaaXaaXaaXaaXaaXaaLysLysLysLysLys)

Gene: NF1 (neurofibromin 1; plus strand). Cytogenetic location: 17q11.2.
Variant type: Microsatellite.
Coding change: c.7030_7031insAAAACCTGCATACTTTAGATAGTCTCCGTATATTCAATGACAAGGTAAGCAAACTTTGCCTTGAGGTTCCTAGATTACTCAAATTTAGTACNNNNNNNNNNNNNNNNNNAAAAAAAAAAAAAAAAA on transcript NM_001042492.3 (MANE Select); coding-DNA positions 7030 to 7031, AAAACCTGCATACTTTAGATAGTCTCCGTATATTCAATGACAAGGTAAGCAAACTTTGCCTTGAGGTTCCTAGATTACTCAAATTTAGTACNNNNNNNNNNNNNNNNNNAAAAAAAAAAAAAAAAA inserted.
Protein change: p.His2343_Thr2344insLysAsnLeuHisThrLeuAspSerLeuArgIlePheAsnAspLysValSerLysLeuCysLeuGluValProArgLeuLeuLysPheSerThrXaaXaaXaaXaaXaaXaaLysLysLysLysLys.
Molecular consequence: inframe insertion. On other transcripts: frameshift variant (1).
Genome position: GRCh38, VCF-style position (the base before the change): chr17:31,340,612. GRCh37 (hg19), VCF-style position (the base before the change): chr17:29,667,630.
Other names: c.6967A[5][1], p.Thr2323Lysfs (NM_000267.4).
Identifiers: ClinVar variation 1071411 (VCV001071411.5), dbSNP rs2151561896.